The following is an entry in ClinVar:

ClinVar aggregate classification (germline): Uncertain significance (1 of 4 stars; one submission).

Conditions:
Complement component 3 deficiency. Identifiers: Orphanet 280133, MedGen C3151071, MONDO:0013417, OMIM 613779.
C3 glomerulonephritis. Also called: Nephropathy due to CFHR5 Deficiency; C3 GLOMERULOPATHY 3. Identifiers: Orphanet 329931, MedGen C4055342, MONDO:0013892, OMIM 614809.
Atypical hemolytic-uremic syndrome. Identifiers: Orphanet 2134, MedGen C2931788, MONDO:0016244.

Submission:

Genomenon, Inc
Classification: Uncertain significance for Complement component 3 deficiency; C3 glomerulonephritis; Atypical hemolytic-uremic syndrome. Last evaluated: 2025-09-30. Review status: criteria provided, single submitter. Criteria: Genomenon Sequence Variant Interpretation Standards. Collection method: curation. Allele origin: germline. Affected: no.
Comment: C3 p.Glu1110Ala (c.3329A>C) is a missense variant that changes the amino acid at residue 1110 from Glutamic acid to Alanine. This variant has been reported in the published literature (PMID:27814381;21285368;21317894;20951140;20083651;15187133;11387479). It is absent or not present at a significant frequency in gnomAD. In silico models agree that this variant is not damaging. In conclusion, we classify C3 p.Glu1110Ala (c.3329A>C) as a variant of unknown significance.

Literature cited by the submitters: PubMed 27814381; PubMed 21285368; PubMed 21317894; PubMed 20951140; PubMed 20083651; PubMed 15187133; PubMed 11387479.

NM_000064.4(C3):c.3329A>C (p.Glu1110Ala)

Gene: C3 (complement C3; minus strand). Cytogenetic location: 19p13.3.
Variant type: single nucleotide variant.
Coding change: c.3329A>C on transcript NM_000064.4 (MANE Select); coding-DNA position 3329, A replaced by C.
Protein change: p.Glu1110Ala; replaces glutamic acid 1110 with alanine.
Molecular consequence: missense variant.
Genome position (GRCh38, 1-based): chr19:6,692,985, T>G on the plus strand (A>C on the coding strand, the complement: C3 is on the minus strand). VCF-style: chr19-6692985-T-G. GRCh37 (hg19) VCF-style: chr19-6692996-T-G.
Other names: short protein forms E1110A.
Identifiers: ClinVar variation 4280201 (VCV004280201.1).